The following is an entry in ClinVar:

NM_000038.6(APC):c.7918_7919insTTGT (p.Ser2640fs)

Gene: APC (APC regulator of Wnt signaling pathway; plus strand). Cytogenetic location: 5q22.2.
Variant type: Insertion.
Coding change: c.7918_7919insTTGT on transcript NM_000038.6 (MANE Select); coding-DNA positions 7918 to 7919, TTGT inserted.
Protein change: p.Ser2640fs; shifts the reading frame from serine 2640.
Molecular consequence: frameshift variant. On other transcripts: non-coding transcript variant (2).
Genome position: GRCh38 VCF-style: chr5-112843511-A-ATTTG. GRCh37 (hg19) VCF-style: chr5-112179208-A-ATTTG.
Other names: c.7918_7919insTTGT, p.Ser2640fs (NM_001127510.3, NM_001354895.2, NM_001407450.1); c.7864_7865insTTGT, p.Ser2622fs (NM_001127511.3); c.7972_7973insTTGT, p.Ser2658fs (NM_001354896.2, NM_001407447.1, NM_001407448.1 and 1 more transcripts); c.7948_7949insTTGT, p.Ser2650fs (NM_001354897.2); c.7843_7844insTTGT, p.Ser2615fs (NM_001354898.2); c.7834_7835insTTGT, p.Ser2612fs (NM_001354899.2); c.7795_7796insTTGT, p.Ser2599fs (NM_001354900.2); c.7741_7742insTTGT, p.Ser2581fs (NM_001354901.2, NM_001407453.1); and 11 more; short protein forms S2357fs, S2511fs, S2549fs, S2581fs, S2612fs, S2514fs, S2539fs, S2557fs.
Identifiers: ClinVar variation 2708713 (VCV002708713.3), dbSNP rs2533829235, ClinGen allele CA2697546413.

ClinVar aggregate classification (germline): Pathogenic (1 of 4 stars; one submission).

Conditions:
Familial adenomatous polyposis 1 (FAP1). Also called: FAMILIAL ADENOMATOUS POLYPOSIS 1, ATTENUATED; POLYPOSIS, ADENOMATOUS INTESTINAL. Identifiers: MedGen C2713442, MONDO:0021056, OMIM 175100. Disease mechanism: loss of function.

Submission:

Labcorp Genetics (formerly Invitae), Labcorp
Classification: Pathogenic for Familial adenomatous polyposis 1. Last evaluated: 2024-01-10. Review status: criteria provided, single submitter. Criteria: Invitae Variant Classification Sherloc (09022015). Collection method: clinical testing. Allele origin: germline.
Comment: This sequence change creates a premature translational stop signal (p.Ser2640Phefs*15) in the APC gene. While this is not anticipated to result in nonsense mediated decay, it is expected to disrupt the last 204 amino acid(s) of the APC protein. This variant is not present in population databases (gnomAD no frequency). This variant has not been reported in the literature in individuals affected with APC-related conditions. This variant is expected to disrupt the EB1 and HDLG binding sites, which mediate interactions with the cytoskeleton (PMID: 15311282, 17293347). While functional studies have not been performed to directly test the effect on APC protein function, this suggests that disruption of the C-terminal portion of the protein is functionally important. A different truncation (p.Tyr2645Lysfs*14) that lies downstream of this variant has been determined to be pathogenic (PMID: 9824584, 1316610, 27081525, 8381579, 22135120, Invitae). This suggests that deletion of this region of the APC protein is causative of disease. For these reasons, this variant has been classified as Pathogenic.

Literature cited by the submitters: PubMed 15311282; PubMed 17293347; PubMed 9824584; PubMed 1316610; PubMed 27081525; PubMed 8381579; PubMed 22135120.